The following is an entry in ClinVar:

ClinVar aggregate classification (germline): Uncertain significance. Review status: criteria provided, multiple submitters, no conflicts (2 of 4 stars). 3 submissions from 3 submitters: Uncertain significance (3). Last evaluated 2025-06-11.

Conditions:
Cardiomyopathy (CMYO). Also called: Cardiomyopathies. Identifiers: Orphanet 167848, MedGen C0878544, MONDO:0004994, HP:0001638. Inheritance: Various modes of inheritance.
Hypertrophic cardiomyopathy. Also called: HYPERTROPHIC MYOCARDIOPATHY. Identifiers: Orphanet 217569, MedGen C0007194, MeSH D002312, MONDO:0005045, HP:0001639.

Allele frequency attached by ClinVar (database versions not stated): TOPMed 0.00005; gnomAD exomes 0.00002; ExAC 0.00003; gnomAD 0.00004.
gnomAD v4.1: 21 of 1,610,310 alleles (0.0013%); highest among the groups gnomAD compares: African/African-American, 0.015%; no homozygotes.

Submissions (3):

Labcorp Genetics (formerly Invitae), Labcorp
Classification: Uncertain significance for Hypertrophic cardiomyopathy. Last evaluated: 2025-06-11. Review status: criteria provided, single submitter. Criteria: Invitae Variant Classification Sherloc (09022015). Collection method: clinical testing. Allele origin: germline.
Comment: This sequence change falls in intron 6 of the TNNI3 gene. It does not directly change the encoded amino acid sequence of the TNNI3 protein. Information on the frequency of this variant in the gnomAD database is not available, as this variant may be reported differently in the database. This variant has not been reported in the literature in individuals affected with TNNI3-related conditions. ClinVar contains an entry for this variant (Variation ID: 927665). In summary, the available evidence is currently insufficient to determine the role of this variant in disease. Therefore, it has been classified as a Variant of Uncertain Significance.

Color Diagnostics, LLC DBA Color Health
Classification: Uncertain significance for Cardiomyopathy. Last evaluated: 2025-05-21. Review status: criteria provided, single submitter. Criteria: ACMG Guidelines, 2015. Collection method: clinical testing. Allele origin: germline.
Comment: This variant deletes two nucleotides and inserts two nucleotides in intron 6 of the TNNI3 gene. Splice prediction tools suggest that this variant may impact RNA splicing. To our knowledge, RNA studies have not been reported for this variant. This variant has not been reported in individuals affected with TNNI3-related disorders in the literature. This variant has not been identified in the general population by the Genome Aggregation Database (gnomAD). Clinical significance of loss-of-function truncation and splice variants in the TNNI3 gene is not clearly established. The available evidence is insufficient to determine the role of this variant in disease conclusively. Therefore, this variant is classified as a Variant of Uncertain Significance.

All of Us Research Program, National Institutes of Health
Classification: Uncertain significance for Hypertrophic cardiomyopathy. Last evaluated: 2023-06-08. Review status: criteria provided, single submitter. Criteria: ACMG Guidelines, 2015. Collection method: clinical testing. Allele origin: germline. Inheritance: Autosomal dominant inheritance. Observed: 1 variant allele, 1 heterozygote.
Comment: This variant causes a T to A nucleotide substitution at the -11 position of intron 6 of the TNNI3 gene. Splice site prediction tools suggest that this variant may have a significant impact on RNA splicing. To our knowledge, functional studies have not been reported for this variant. This variant has not been reported in individuals affected with TNNI3-related disorders in the literature. This variant has been identified in 7/277126 chromosomes in the general population by the Genome Aggregation Database (gnomAD). The available evidence is insufficient to determine the role of this variant in disease conclusively. Therefore, this variant is classified as a Variant of Uncertain Significance.

This study involves interpretation of variants in research participants for the purpose of population health screening. Participant phenotype was not available at the time of variant classification. Additional details can be found in publication PMID: 35346344, PMCID: PMC8962531

NM_000363.5(TNNI3):c.373-11T>A

Gene: TNNI3 (troponin I3, cardiac type; minus strand). Cytogenetic location: 19q13.42.
Variant type: single nucleotide variant.
Coding change: c.373-11T>A on transcript NM_000363.5 (MANE Select); 11 bases into the intron before coding-DNA position 373, T replaced by A.
Molecular consequence: intron variant.
Genome position (GRCh38, 1-based): chr19:55,154,217, A>T on the plus strand (T>A on the coding strand, the complement: TNNI3 is on the minus strand). VCF-style: chr19-55154217-A-T. GRCh37 (hg19) VCF-style: chr19-55665585-A-T.
Other names: c.373-11_373-10delinsAG (NM_000363.5).
Identifiers: ClinVar variation 927665 (VCV000927665.11), dbSNP rs746918706, ClinGen allele CA051446.